The following is an entry in ClinVar:

NM_001283009.2(RTEL1):c.2813T>G (p.Leu938Arg)

Genes: RTEL1 (regulator of telomere elongation helicase 1; plus strand), RTEL1-TNFRSF6B (RTEL1-TNFRSF6B readthrough (NMD candidate); plus strand). Cytogenetic location: 20q13.33.
Variant type: single nucleotide variant.
Coding change: c.2813T>G on transcript NM_001283009.2 (MANE Select); coding-DNA position 2813, T replaced by G.
Protein change: p.Leu938Arg; replaces leucine 938 with arginine.
Molecular consequence: missense variant. On other transcripts: non-coding transcript variant (1).
Genome position (GRCh38, 1-based): chr20:63,692,965, T>G. VCF-style: chr20-63692965-T-G. GRCh37 (hg19) VCF-style: chr20-62324318-T-G.
Other names: c.2144T>G, p.Leu715Arg (NM_001283010.1); c.2813T>G, p.Leu938Arg (NM_016434.4); c.2885T>G, p.Leu962Arg (NM_032957.5); short protein forms L715R, L938R, L962R.
Identifiers: ClinVar variation 4844065 (VCV004844065.1).
Genomic context (GRCh38, chr20:63,692,965, plus strand): 5'-CCCTGCAGGACTACAAGGGTTCCGATGACTTCGCCGCCCTGGCCGCCTGTCTCGGCCCCC[T>G]CTTTGCTGAGGACCCCAAGAAGCACAACCTGCTCCAAGGTGCCCTGGCTTGCAGAGGCCA-3'
Protein context (NP_001269938.1, residues 928-948): FAALAACLGP[Leu938Arg]FAEDPKKHNL

ClinVar aggregate classification (germline): Uncertain significance (1 of 4 stars; one submission).

Conditions:
Inborn genetic diseases. Identifiers: MedGen C0950123, MeSH D030342.

Submission:

Ambry Genetics
Classification: Uncertain significance for Inborn genetic diseases. Last evaluated: 2025-12-17. Review status: criteria provided, single submitter. Criteria: Ambry Variant Classification Scheme 2023. Collection method: clinical testing. Allele origin: germline.
Comment: The p.L938R variant (also known as c.2813T>G), located in coding exon 28 of the RTEL1 gene, results from a T to G substitution at nucleotide position 2813. The leucine at codon 938 is replaced by arginine, an amino acid with dissimilar properties. This amino acid position is conserved. In addition, the in silico prediction for this alteration is inconclusive. Based on the available evidence, the clinical significance of this variant remains unclear.